The following is an entry in ClinVar:

ClinVar aggregate classification (germline): Uncertain significance. Review status: criteria provided, multiple submitters, no conflicts (2 of 4 stars). 2 submissions from 2 submitters: Uncertain significance (2). Last evaluated 2026-06-29.

Conditions:
SCLT1-related disorder. Also called: SCLT1-related condition.

Allele frequency attached by ClinVar (database versions not stated): TOPMed below 0.00001.
gnomAD v4.1: 2 of 1,613,356 alleles (0.00012%); highest among the groups gnomAD compares: Non-Finnish European, 0.00017%; no homozygotes.

Submissions (2):

PreventionGenetics, part of Exact Sciences
Classification: Uncertain significance for SCLT1-related condition. Last evaluated: 2026-06-29. Review status: criteria provided, single submitter. Criteria: ACMG Guidelines, 2015. Collection method: clinical testing. Allele origin: germline.
Comment: The SCLT1 c.991G>T variant is predicted to result in the amino acid substitution p.Val331Leu. To our knowledge, this variant has not been reported in the literature or in a large population database (gnomAD), indicating this variant is rare. At this time, the clinical significance of this variant is uncertain due to the absence of conclusive functional and genetic evidence.

Labcorp Genetics (formerly Invitae), Labcorp
Classification: Uncertain significance. Last evaluated: 2022-02-04. Review status: criteria provided, single submitter. Criteria: Invitae Variant Classification Sherloc (09022015). Collection method: clinical testing. Allele origin: germline.
Comment: This variant has not been reported in the literature in individuals affected with SCLT1-related conditions. This variant is not present in population databases (gnomAD no frequency). This sequence change replaces valine, which is neutral and non-polar, with leucine, which is neutral and non-polar, at codon 331 of the SCLT1 protein (p.Val331Leu). In summary, the available evidence is currently insufficient to determine the role of this variant in disease. Therefore, it has been classified as a Variant of Uncertain Significance. Algorithms developed to predict the effect of missense changes on protein structure and function output the following: SIFT: "Tolerated"; PolyPhen-2: "Benign"; Align-GVGD: "Class C0". The leucine amino acid residue is found in multiple mammalian species, which suggests that this missense change does not adversely affect protein function.

NM_144643.4(SCLT1):c.991G>T (p.Val331Leu)

Gene: SCLT1 (sodium channel and clathrin linker 1; minus strand). Cytogenetic location: 4q28.2.
Variant type: single nucleotide variant.
Coding change: c.991G>T on transcript NM_144643.4 (MANE Select); coding-DNA position 991, G replaced by T.
Protein change: p.Val331Leu; replaces valine 331 with leucine.
Molecular consequence: missense variant.
Genome position (GRCh38, 1-based): chr4:128,959,656, C>A on the plus strand (G>T on the coding strand, the complement: SCLT1 is on the minus strand). VCF-style: chr4-128959656-C-A. GRCh37 (hg19) VCF-style: chr4-129880811-C-A.
Other names: c.991G>T (NM_144643.3); short protein forms V331L.
Identifiers: ClinVar variation 1423122 (VCV001423122.9), dbSNP rs1739512254, ClinGen allele CA358188693.
Genomic context (GRCh38, chr4:128,959,656, plus strand): 5'-TTACCTGACTTTTTTGAAGGTTAGCTTCTTCTAAGAGTTGCATGCTATTTCTGGCTCTTA[C>A]AATAGCCTCATATCTCTCATTTTCTAATTCATTGCACTTTGCTTGTAGCTCTCTGGTCTG-3'
Protein context (NP_653244.2, residues 321-341): ELENERYEAI[Val331Leu]RARNSMQLLE